The following is an entry in ClinVar:

NM_001080414.4(CCDC88C):c.2352del (p.Leu785fs)

Gene: CCDC88C (coiled-coil and HOOK domain protein 88C; minus strand). Cytogenetic location: 14q32.11.
Variant type: Deletion.
Coding change: c.2352del on transcript NM_001080414.4 (MANE Select); coding-DNA position 2352, one base deleted (C; older notation c.2352delC).
Protein change: p.Leu785fs; shifts the reading frame from leucine 785.
Molecular consequence: frameshift variant. On other transcripts: non-coding transcript variant (2).
Genome position (GRCh38, 1-based): chr14:91,313,464, G deleted on the plus strand (C on the coding strand, the reverse complement: CCDC88C is on the minus strand); the first of 2 consecutive G bases (chr14:91,313,464-91,313,465); deleting either gives the same sequence. VCF-style (leftmost placement, unchanged base first): chr14-91313463-AG-A. GRCh37 (hg19) VCF-style: chr14-91779807-AG-A.
Other names: short protein forms L785fs.
Identifiers: ClinVar variation 5003927 (VCV005003927.1).

ClinVar aggregate classification (germline): Pathogenic (1 of 4 stars; one submission).

Conditions:
Hydrocephalus, nonsyndromic, autosomal recessive 1 (HYC1). Also called: Congenital hydrocephalus 1; Hydrocephalus, nonsyndromic, autosomal recessive. Identifiers: Orphanet 2185, MedGen C3887608, MONDO:0009360, OMIM 236600.

Submission:

Myriad Genetics, Inc.
Classification: Pathogenic for Hydrocephalus, nonsyndromic, autosomal recessive 1. Last evaluated: 2025-12-17. Review status: criteria provided, single submitter. Criteria: Myriad Autosomal Dominant, Autosomal Recessive and X-Linked Classification Criteria (2023). Collection method: clinical testing. Allele origin: unknown.
Comment: NM_001080414.3(CCDC88C):c.2352delC(L785Wfs*102) is a frameshift variant classified as pathogenic in the context of congenital hydrocephalus, CCDC88C-related. L785Wfs*102 has not been observed in cases with relevant disease. Relevant functional assessments of this variant are not available in the literature. L785Wfs*102 has not been observed in referenced population frequency databases. . Please note: this variant was assessed in the context of healthy population screening.